The following is an entry in ClinVar:

ClinVar aggregate classification (germline): Conflicting classifications of pathogenicity. Review status: criteria provided, conflicting classifications (1 of 4 stars). 7 submissions from 7 submitters: Uncertain significance (1); Benign (1); Likely benign (5). Last evaluated 2025-11-01.

Conditions:
Inborn genetic diseases. Identifiers: MedGen C0950123, MeSH D030342.
Charcot-Marie-Tooth disease type 4. Also called: Charcot-Marie-Tooth, Type 4; Charcot-Marie-Tooth disease, type IV. Identifiers: Orphanet 64749, MedGen C4082197, MONDO:0018995.
Charcot-Marie-Tooth disease type 4F. Also called: Charcot-Marie-Tooth disease, demyelinating, type 4F. Identifiers: Orphanet 99952, MedGen C3540453, MONDO:0013959, OMIM 614895.
Charcot-Marie-Tooth disease. Also called: Charcot-Marie-Tooth Hereditary Neuropathy; Charcot-Marie-Tooth Neuropathy. Identifiers: Orphanet 166, MedGen C0007959, MONDO:0015626.

Allele frequency attached by ClinVar (database versions not stated): ExAC 0.00001; gnomAD exomes 0.00002 and 0.00005; gnomAD 0.00006.

Submissions (7):

CeGaT Center for Human Genetics Tuebingen
Classification: Likely benign. Last evaluated: 2025-11-01. Review status: criteria provided, single submitter. Criteria: CeGaT Center For Human Genetics Tuebingen Variant Classification Criteria Version 2. Collection method: clinical testing. Allele origin: germline. Affected: yes. Observed: 1 variant allele.
Comment: PRX: BP4, BP7

Labcorp Genetics (formerly Invitae), Labcorp
Classification: Likely benign for Charcot-Marie-Tooth disease type 4. Last evaluated: 2025-08-14. Review status: criteria provided, single submitter. Criteria: Invitae Variant Classification Sherloc (09022015). Collection method: clinical testing. Allele origin: germline.

Laboratory of Genetics, Children's Clinical University Hospital Latvia
Classification: Benign. Last evaluated: 2025-02-16. Review status: criteria provided, single submitter. Criteria: ACMG Guidelines, 2015. Collection method: clinical testing. Allele origin: germline. Affected: yes.

Ambry Genetics
Classification: Likely benign for Inborn genetic diseases. Last evaluated: 2019-07-11. Review status: criteria provided, single submitter. Criteria: Ambry Variant Classification Scheme 2023. Collection method: clinical testing. Allele origin: germline.

Illumina Laboratory Services, Illumina
Classification: Uncertain significance for Charcot-Marie-Tooth disease type 4F. Last evaluated: 2018-01-12. Review status: criteria provided, single submitter. Criteria: ICSL Variant Classification Criteria 13 December 2019. Collection method: clinical testing. Allele origin: germline.

GeneDx
Classification: Likely benign. Last evaluated: 2016-08-05. Review status: criteria provided, single submitter. Criteria: GeneDx Variant Classification (06012015). Collection method: clinical testing. Allele origin: germline. Affected: yes.
Comment: This variant is considered likely benign or benign based on one or more of the following criteria: it is a conservative change, it occurs at a poorly conserved position in the protein, it is predicted to be benign by multiple in silico algorithms, and/or has population frequency not consistent with disease.

Molecular Genetics Laboratory, London Health Sciences Centre
Classification: Likely benign for Charcot-Marie-Tooth disease. Review status: criteria provided, single submitter. Criteria: ACMG Guidelines, 2015. Collection method: clinical testing. Allele origin: germline. Affected: yes.

NM_181882.3(PRX):c.1500A>G (p.Ser500=)

Gene: PRX (periaxin; minus strand). Cytogenetic location: 19q13.2.
Variant type: single nucleotide variant.
Coding change: c.1500A>G on transcript NM_181882.3 (MANE Select); coding-DNA position 1500, A replaced by G.
Protein change: p.Ser500=; no amino-acid change (serine 500 retained).
Molecular consequence: synonymous variant. On other transcripts: 3 prime UTR variant (1).
Genome position (GRCh38, 1-based): chr19:40,396,852, T>C on the plus strand (A>G on the coding strand, the complement: PRX is on the minus strand). VCF-style: chr19-40396852-T-C. GRCh37 (hg19) VCF-style: chr19-40902759-T-C.
Other names: c.*1705A>G (NM_020956.2).
Identifiers: ClinVar variation 329276 (VCV000329276.25), dbSNP rs777104457, ClinGen allele CA9444249.
Genomic context (GRCh38, chr19:40,396,852, plus strand): 5'-TACCTCTGGAAGCCGCACCTCCGGCACAGCCATCTCTGGCACCTTTGGGAGTTTCATCTC[T>C]GACACTTTGGGCAGCTCTACCTCTGGAAGCCGCACCTCCGGCACAGCCATCTCTGGCACC-3'
Protein context (NP_870998.2, residues 490-510): RLPEVELPKV[Ser500=]EMKLPKVPEM